The following is an entry in ClinVar:

ClinVar aggregate classification (germline): Conflicting classifications of pathogenicity. Review status: criteria provided, conflicting classifications (1 of 4 stars). 4 submissions from 4 submitters: Uncertain significance (1); Likely benign (2). 1 of the submissions does not count toward it. Last evaluated 2025-07-27.

Conditions:
OTOG-related disorder. Also called: OTOG-related condition.

Allele frequency attached by ClinVar (database versions not stated): gnomAD 0.00010 and 0.00019; gnomAD exomes 0.00013 and 0.00037; TOPMed 0.00015; ExAC 0.00031; 1000 Genomes Project 0.00040; 1000 Genomes Project 30x 0.00047.
gnomAD v4.1: 209 of 1,550,246 alleles (0.013%); highest among the groups gnomAD compares: East Asian, 0.33%; 2 homozygotes.

Submissions (4):

Labcorp Genetics (formerly Invitae), Labcorp
Classification: Likely benign. Last evaluated: 2025-07-27. Review status: criteria provided, single submitter. Criteria: Invitae Variant Classification Sherloc (09022015). Collection method: clinical testing. Allele origin: germline.

Blueprint Genetics
Classification: Uncertain significance. Last evaluated: 2024-01-09. Review status: criteria provided, single submitter. Criteria: ACMG Guidelines, 2015. Collection method: clinical testing. Allele origin: germline.

Laboratory for Molecular Medicine, Mass General Brigham Personalized Medicine
Classification: Likely benign. Last evaluated: 2017-02-16. Review status: criteria provided, single submitter. Criteria: LMM Criteria. Collection method: clinical testing. Allele origin: germline. Observed: 1 variant allele.
Comment: p.Asp1018Val in exon 25 of OTOG: This variant is not expected to have clinical s ignificance because it has been identified in 0.4% (44/11784) of East Asian chro mosomes by the Genome Aggregation Database (gnomAD .org; dbSNP rs551850126).

PreventionGenetics, part of Exact Sciences
Classification: Likely benign for OTOG-related condition. Last evaluated: 2022-12-23. Review status: no assertion criteria provided. Collection method: clinical testing. Allele origin: germline. Not counted in ClinVar's aggregate classification.
Comment: This variant is classified as likely benign based on ACMG/AMP sequence variant interpretation guidelines (Richards et al. 2015 PMID: 25741868, with internal and published modifications).

NM_001292063.2(OTOG):c.3017A>T (p.Asp1006Val)

Gene: OTOG (otogelin; plus strand). Cytogenetic location: 11p15.1.
Variant type: single nucleotide variant.
Coding change: c.3017A>T on transcript NM_001292063.2 (MANE Select); coding-DNA position 3017, A replaced by T.
Protein change: p.Asp1006Val; replaces aspartic acid 1006 with valine.
Molecular consequence: missense variant.
Genome position (GRCh38, 1-based): chr11:17,593,203, A>T. VCF-style: chr11-17593203-A-T. GRCh37 (hg19) VCF-style: chr11-17614750-A-T.
Other names: c.3053A>T, p.Asp1018Val (NM_001277269.2); short protein forms D1018V, D1006V.
Identifiers: ClinVar variation 505623 (VCV000505623.11), dbSNP rs551850126, ClinGen allele CA5905694.